The following is an entry in ClinVar:

ClinVar aggregate classification (germline): Uncertain significance. Review status: reviewed by expert panel (3 of 4 stars). 7 submissions from 7 submitters: Uncertain significance (1). 6 of the submissions do not count toward it. Last evaluated 2025-04-23.

Conditions:
Monogenic diabetes. Identifiers: Orphanet 183625, MedGen C3888631, MONDO:0015967.
Maturity-onset diabetes of the young type 3. Also called: MODY type 3; MODY, type III. Identifiers: Orphanet 552, MedGen C1838100, MeSH C563933, MONDO:0010894, OMIM 600496. Disease mechanism: loss of function.
Diabetes mellitus type 1 (T1D). Also called: Diabetes Mellitus, Juvenile-Onset; Type I diabetes mellitus. Identifiers: MedGen C0011854, MONDO:0005147, OMIM 222100, HP:0100651.
Type 2 diabetes mellitus. Also called: Type II diabetes mellitus. Identifiers: MedGen C0011860, MeSH D003924, MONDO:0005148, OMIM 125853, HP:0005978.
Hepatic adenomas, familial. Also called: LIVER CELL ADENOMAS, FAMILIAL; HEPATIC ADENOMA, SOMATIC. Identifiers: MedGen C1840646, MONDO:0007718, OMIM 142330.
Type 1 diabetes mellitus 20 (T1D20). Also called: Diabetes mellitus, insulin-dependent, 20. Identifiers: MedGen C2675866, MONDO:0012919, OMIM 612520.
Nonpapillary renal cell carcinoma. Identifiers: Orphanet 422526, MedGen CN074294, MONDO:0007763, OMIM 144700.
Maturity-onset diabetes of the young (MODY). Also called: Maturity onset diabetes mellitus in young. Identifiers: Orphanet 552, MedGen C0342276, MONDO:0018911, HP:0004904.

Allele frequency attached by ClinVar (database versions not stated): gnomAD 0.00001; gnomAD exomes 0.00001; TOPMed 0.00001; ExAC 0.00002.

Submissions (7):

ClinGen Monogenic Diabetes Variant Curation Expert Panel
Classification: Uncertain significance for Monogenic diabetes. Last evaluated: 2025-04-23. Review status: reviewed by expert panel. Criteria: ClinGen Diabetes ACMG Specifications HNF1A V2.1.0. Collection method: curation. Allele origin: germline. Inheritance: Autosomal dominant inheritance.
Comment: The c.340C>T variant in the HNF1 homeobox A gene, HNF1A, causes an amino acid change of arginine to cysteine at codon 114 (p.(Arg114Cys)) of NM_000545.8. This variant is located within a conserved region of the DNA binding domain (codons 107-174 and 201-280) of HNF1A, which is defined as critical for the protein’s function by the ClinGen MDEP (PM1_Supporting). This variant is predicted to be deleterious by computational evidence, with a REVEL score of 0.952, which is greater than the MDEP VCEP threshold of 0.70 (PP3). Functional studies demonstrated the p.Arg114Cys protein has DNA binding above 75% of wild type, normal localization, and transactivation above 75% of wildtype, indicating that this variant does not impact protein function (BS3_Supporting; PMID: 26853433). The Grpmax filtering allele frequency of the c.340C>T variant in gnomAD v2.1.1 is 0.00002596, which falls between ClinGen MDEP-established cutoffs for PM2_Supporting and BS1; thus, neither criterion will be applied. This variant was identified in four unrelated individuals with non-autoimmune and non-absolute/near-absolute insulin-deficient diabetes; however, PS4 cannot be applied because the variant MAF in gnomAD is above the ClinGen MDEP PM2_Supporting cutoff (PMIDs:26853433, 19336507, ClinVar, internal lab contributors). In summary, c.340C>T meets the criteria to be classified as variant of uncertain significance for monogenic diabetes. ACMG/AMP criteria applied, as specified by the ClinGen MDEP (specification version 2.1.0, approved 8/11/2023): PM1_Supporting, PP3, BS3_Supporting.

Fulgent Genetics
Classification: Uncertain significance for Type 2 diabetes mellitus; Hepatic adenomas, familial; Nonpapillary renal cell carcinoma; Diabetes mellitus type 1; Maturity-onset diabetes of the young type 3; Type 1 diabetes mellitus 20. Last evaluated: 2024-06-03. Review status: criteria provided, single submitter. Criteria: ACMG Guidelines, 2015. Collection method: clinical testing. Allele origin: germline. Not counted in ClinVar's aggregate classification.

GeneDx
Classification: Uncertain significance. Last evaluated: 2024-05-23. Review status: criteria provided, single submitter. Criteria: GeneDx Variant Classification Process June 2021. Collection method: clinical testing. Allele origin: germline. Affected: yes. Not counted in ClinVar's aggregate classification.
Comment: Reported in an individual with suspected MODY in published literature (PMID: 19336507); detailed clinical and segregation information not provided; Published functional studies demonstrate impaired DNA binding but do not significantly impact transcription, expression, or nuclear localization (PMID: 26853433, 32910913); further studies are necessary to elucidate the role of the variant; Located in the critical DNA binding domain (PMID: 12453420, 18003757); In silico analysis supports that this missense variant has a deleterious effect on protein structure/function; This variant is associated with the following publications: (PMID: 26853433, 12453420, 18003757, 32910913, 23348805, 19336507)

Neuberg Centre For Genomic Medicine, NCGM
Classification: Likely pathogenic for Maturity-onset diabetes of the young type 3. Last evaluated: 2024-02-01. Review status: criteria provided, single submitter. Criteria: ACMG Guidelines, 2015. Collection method: clinical testing. Allele origin: germline. Inheritance: Autosomal dominant inheritance. Affected: yes. Not counted in ClinVar's aggregate classification.

Broad Center for Mendelian Genomics, Broad Institute of MIT and Harvard
Classification: Uncertain significance for Maturity-onset diabetes of the young type 3. Last evaluated: 2020-01-22. Review status: criteria provided, single submitter. Criteria: ACMG Guidelines, 2015. Collection method: curation. Allele origin: germline. Inheritance: Autosomal dominant inheritance. Not counted in ClinVar's aggregate classification.
Comment: The p.Arg114Cys variant in HNF1A has not been previously reported in individuals with maturity-onset diabetes of the young and has been identified in 0.01% (3/30610) of South Asian chromosomes by the Genome Aggregation Database (gnomAD; dbSNP rs774996577). Computational prediction tools and conservation analyses suggest that this variant may impact the protein, though this information is not predictive enough to determine pathogenicity. In summary, the clinical significance of the p.Arg114Cys variant is uncertain. ACMG/AMP Criteria applied: BS1, PP3 (Richards 2015).

Clinical Genomics, Uppaluri K&H Personalized Medicine Clinic
Classification: Likely risk allele for Maturity-onset diabetes of the young. Review status: criteria provided, single submitter. Criteria: K & H Uppaluri Personalized Medicine Clinic Variant Classification & Assertion Criteria_Updated V.1. Collection method: research. Allele origin: unknown. Inheritance: Autosomal dominant inheritance. Not counted in ClinVar's aggregate classification.
Comment: Mutations in HNF1A gene can predispose to MODY3. It is associated with both micro and macrovascular complications of diabetes, especially cardiovascular complications. Associated with glucosuria. May respond well to sulfonylureas. However, more evidence is required to confer the association of this particular variant rs774996577 with MODY3.

Molecular Genetics, Madras Diabetes Research Foundation
Classification: Uncertain significance for Maturity-onset diabetes of the young. Review status: criteria provided, single submitter. Criteria: ACMG Guidelines, 2015. Collection method: clinical testing. Allele origin: germline. Affected: yes. Not counted in ClinVar's aggregate classification.

Literature cited by the submitters: PubMed 26853433 (cited by ClinGen Monogenic Diabetes Variant Curation Expert Panel and Molecular Genetics, Madras Diabetes Research Foundation); PubMed 19336507 (cited by ClinGen Monogenic Diabetes Variant Curation Expert Panel and Molecular Genetics, Madras Diabetes Research Foundation); PubMed 31517624 (cited by Clinical Genomics, Uppaluri K&H Personalized Medicine Clinic); PubMed 32395877 (cited by Clinical Genomics, Uppaluri K&H Personalized Medicine Clinic); PubMed 35328643 (cited by Clinical Genomics, Uppaluri K&H Personalized Medicine Clinic); PubMed 35673428 (cited by Clinical Genomics, Uppaluri K&H Personalized Medicine Clinic).

NM_000545.8(HNF1A):c.340C>T (p.Arg114Cys)

Gene: HNF1A (HNF1 homeobox A; plus strand). Cytogenetic location: 12q24.31.
Variant type: single nucleotide variant.
Coding change: c.340C>T on transcript NM_000545.8 (MANE Select); coding-DNA position 340, C replaced by T.
Protein change: p.Arg114Cys; replaces arginine 114 with cysteine.
Molecular consequence: missense variant.
Genome position (GRCh38, 1-based): chr12:120,988,846, C>T. VCF-style: chr12-120988846-C-T. GRCh37 (hg19) VCF-style: chr12-121426649-C-T.
Other names: NM_000545.8(HNF1A):c.340C>T; p.Arg114Cys; c.340C>T, p.Arg114Cys (NM_001306179.2); c.340C>T (NM_000545.5); short protein forms R114C.
Identifiers: ClinVar variation 972770 (VCV000972770.9), dbSNP rs774996577, ClinGen allele CA6831741.
Genomic context (GRCh38, chr12:120,988,846, plus strand): 5'-GGAGAGACAGCCCTTGCTGAGCAGATCCCGTCCTTGCCCTCTCCCAGGGAGGACCCGTGG[C>T]GTGTGGCGAAGATGGTCAAGTCCTACCTGCAGCAGCACAACATCCCACAGCGGGAGGTGG-3'
Protein context (NP_000536.6, residues 104-124): VETLLQEDPW[Arg114Cys]VAKMVKSYLQ